The following is an entry in ClinVar:

NM_032119.4(ADGRV1):c.9907-35A>C

Gene: ADGRV1 (adhesion G protein-coupled receptor V1; plus strand). Cytogenetic location: 5q14.3.
Variant type: single nucleotide variant.
Coding change: c.9907-35A>C on transcript NM_032119.4 (MANE Select); 35 bases into the intron before coding-DNA position 9907, A replaced by C.
Molecular consequence: intron variant.
Genome position (GRCh38, 1-based): chr5:90,725,051, A>C. VCF-style: chr5-90725051-A-C. GRCh37 (hg19) VCF-style: chr5-90020868-A-C.
Identifiers: ClinVar variation 158656 (VCV000158656.8), dbSNP rs7723259, ClinGen allele CA172281.

ClinVar aggregate classification (germline): Benign. Review status: criteria provided, multiple submitters, no conflicts (2 of 4 stars). 3 submissions from 3 submitters: Benign (2). 1 of the submissions does not count toward it. Last evaluated 2021-08-10.

Conditions:
Usher syndrome type 2C. Also called: USHER SYNDROME, TYPE IIC; Usher syndrome, type 2B. Identifiers: Orphanet 231178, Orphanet 886, MedGen C2931213, MONDO:0011558, OMIM 605472.

Allele frequency attached by ClinVar (database versions not stated): gnomAD exomes 0.65706 and 0.70255; gnomAD 0.72907 and 0.72915; ExAC 0.71052; ESP Exome Variant Server 0.71721; TOPMed 0.74747; 1000 Genomes Project 30x 0.79388; 1000 Genomes Project 0.79812.
gnomAD v4.1: 1,015,288 of 1,526,160 alleles (67%); highest among the groups gnomAD compares: African/African-American, 87%; 341,526 homozygotes.

Submissions (3):

Genome-Nilou Lab
Classification: Benign for Usher syndrome type 2C. Last evaluated: 2021-08-10. Review status: criteria provided, single submitter. Criteria: ACMG Guidelines, 2015. Collection method: clinical testing. Allele origin: germline. Affected: no.

GeneDx
Classification: Benign. Last evaluated: 2018-06-14. Review status: criteria provided, single submitter. Criteria: GeneDx Variant Classification (06012015). Collection method: clinical testing. Allele origin: germline. Affected: yes.
Comment: This variant is considered likely benign or benign based on one or more of the following criteria: it is a conservative change, it occurs at a poorly conserved position in the protein, it is predicted to be benign by multiple in silico algorithms, and/or has population frequency not consistent with disease.

Genetic Services Laboratory, University of Chicago
Classification: Likely benign. Review status: no assertion criteria provided. Collection method: clinical testing. Allele origin: germline. Inheritance: Autosomal dominant inheritance. Not counted in ClinVar's aggregate classification.
Comment: Likely benign based on allele frequency in 1000 Genomes Project or ESP global frequency and its presence in a patient with a rare or unrelated disease phenotype. NOT Sanger confirmed